The following is an entry in ClinVar:

ClinVar aggregate classification (germline): Uncertain significance. Review status: criteria provided, multiple submitters, no conflicts (2 of 4 stars). 2 submissions from 2 submitters: Uncertain significance (2). Last evaluated 2025-11-05.

Conditions:
Inborn genetic diseases. Identifiers: MedGen C0950123, MeSH D030342.

Allele frequency attached by ClinVar (database versions not stated): gnomAD exomes 0.00002; ExAC 0.00007.
gnomAD v4.1: 11 of 1,614,146 alleles (0.00068%); highest among the groups gnomAD compares: Admixed American, 0.012%; no homozygotes.

Submissions (2):

Ambry Genetics
Classification: Uncertain significance for Inborn genetic diseases. Last evaluated: 2025-11-05. Review status: criteria provided, single submitter. Criteria: Ambry Variant Classification Scheme 2023. Collection method: clinical testing. Allele origin: germline.

Labcorp Genetics (formerly Invitae), Labcorp
Classification: Uncertain significance. Last evaluated: 2024-02-24. Review status: criteria provided, single submitter. Criteria: Invitae Variant Classification Sherloc (09022015). Collection method: clinical testing. Allele origin: germline.
Comment: This sequence change replaces tyrosine, which is neutral and polar, with cysteine, which is neutral and slightly polar, at codon 45 of the NDUFA13 protein (p.Tyr45Cys). This variant is present in population databases (rs561443230, gnomAD 0.02%). This variant has not been reported in the literature in individuals affected with NDUFA13-related conditions. ClinVar contains an entry for this variant (Variation ID: 2155336). An algorithm developed to predict the effect of missense changes on protein structure and function (PolyPhen-2) suggests that this variant is likely to be disruptive. In summary, the available evidence is currently insufficient to determine the role of this variant in disease. Therefore, it has been classified as a Variant of Uncertain Significance.

NM_015965.7(NDUFA13):c.134A>G (p.Tyr45Cys)

Genes: NDUFA13 (NADH:ubiquinone oxidoreductase subunit A13; plus strand), LOC125371495 (Sharpr-MPRA regulatory region 9511; plus strand). Cytogenetic location: 19p13.11.
Variant type: single nucleotide variant.
Coding change: c.134A>G on transcript NM_015965.7 (MANE Select); coding-DNA position 134, A replaced by G.
Protein change: p.Tyr45Cys; replaces tyrosine 45 with cysteine.
Molecular consequence: missense variant.
Genome position (GRCh38, 1-based): chr19:19,526,221, A>G. VCF-style: chr19-19526221-A-G. GRCh37 (hg19) VCF-style: chr19-19637030-A-G.
Other names: c.134A>G (NM_015965.6); short protein forms Y45C.
Identifiers: ClinVar variation 2155336 (VCV002155336.4), dbSNP rs561443230, ClinGen allele CA9327691.